The following is an entry in ClinVar:

ClinVar aggregate classification (germline): Uncertain significance (1 of 4 stars; one submission).

Submission:

Women's Health and Genetics/Laboratory Corporation of America, LabCorp
Classification: Uncertain significance. Last evaluated: 2026-06-22. Review status: criteria provided, single submitter. Criteria: LabCorp Variant Classification Summary - May 2015. Collection method: clinical testing. Allele origin: germline.
Comment: Variant summary: The variant involves the duplication of exons 5-10 in the OTC gene. A presumed nomenclature of c.(386+1_387-1)_(*365_?)dup has been designated for the purposes of this classification. The exact breakpoint at the 3' end of this variant is unknown, therefore this duplication may extend downstream of the annotated region of the gene. As it duplicates the termination codon, its effect on the encoded protein is unknown. The variant was absent in 15814 control chromosomes. The available data on variant occurrences in the general population are insufficient to allow any conclusion about variant significance. These data indicate that the variant may be associated with disease. To our knowledge, no experimental evidence demonstrating an impact on protein function has been reported. The following publication has been ascertained in the context of this evaluation (PMID: 34014569). No submitters have cited clinical-significance assessments for this variant to ClinVar. Based on the evidence outlined above, the variant was classified as VUS-possibly pathogenic.

Literature cited by the submitters: PubMed 34014569.

NC_000023.10:g.(38240683_38260527)_(38280700_?)dup

Gene: OTC (ornithine transcarbamylase; plus strand). Cytogenetic location: Xp11.4.
Variant type: Duplication.
Identifiers: ClinVar variation 4887771 (VCV004887771.1).